The following is an entry in ClinVar:

NM_001194998.2(CEP152):c.947A>G (p.Gln316Arg)

Gene: CEP152 (centrosomal protein 152; minus strand). Cytogenetic location: 15q21.1.
Variant type: single nucleotide variant.
Coding change: c.947A>G on transcript NM_001194998.2 (MANE Select); coding-DNA position 947, A replaced by G.
Protein change: p.Gln316Arg; replaces glutamine 316 with arginine.
Molecular consequence: missense variant.
Genome position (GRCh38, 1-based): chr15:48,791,262, T>C on the plus strand (A>G on the coding strand, the complement: CEP152 is on the minus strand). VCF-style: chr15-48791262-T-C. GRCh37 (hg19) VCF-style: chr15-49083459-T-C.
Other names: c.947A>G, p.Gln316Arg (NM_014985.4); c.947A>G (NM_014985.3); short protein forms Q316R.
Identifiers: ClinVar variation 1911949 (VCV001911949.3), dbSNP rs1896969740, ClinGen allele CA392355951.

ClinVar aggregate classification (germline): Uncertain significance. Review status: criteria provided, multiple submitters, no conflicts (2 of 4 stars). 2 submissions from 2 submitters: Uncertain significance (2). Last evaluated 2025-04-28.

Conditions:
Inborn genetic diseases. Identifiers: MedGen C0950123, MeSH D030342.

Allele frequency attached by ClinVar (database versions not stated): TOPMed below 0.00001.

Submissions (2):

Ambry Genetics
Classification: Uncertain significance for Inborn genetic diseases. Last evaluated: 2025-04-28. Review status: criteria provided, single submitter. Criteria: Ambry Variant Classification Scheme 2023. Collection method: clinical testing. Allele origin: germline.

Labcorp Genetics (formerly Invitae), Labcorp
Classification: Uncertain significance. Last evaluated: 2021-12-22. Review status: criteria provided, single submitter. Criteria: Invitae Variant Classification Sherloc (09022015). Collection method: clinical testing. Allele origin: germline.
Comment: This sequence change replaces glutamine, which is neutral and polar, with arginine, which is basic and polar, at codon 316 of the CEP152 protein (p.Gln316Arg). This variant is not present in population databases (gnomAD no frequency). This variant has not been reported in the literature in individuals affected with CEP152-related conditions. Algorithms developed to predict the effect of missense changes on protein structure and function are either unavailable or do not agree on the potential impact of this missense change (SIFT: "Deleterious"; PolyPhen-2: "Probably Damaging"; Align-GVGD: "Class C0"). In summary, the available evidence is currently insufficient to determine the role of this variant in disease. Therefore, it has been classified as a Variant of Uncertain Significance.